The following is an entry in ClinVar:

NM_000388.4(CASR):c.638C>T (p.Ala213Val)

Gene: CASR (calcium sensing receptor; plus strand). Cytogenetic location: 3q21.1.
Variant type: single nucleotide variant.
Coding change: c.638C>T on transcript NM_000388.4 (MANE Select); coding-DNA position 638, C replaced by T.
Protein change: p.Ala213Val; replaces alanine 213 with valine.
Molecular consequence: missense variant.
Genome position (GRCh38, 1-based): chr3:122,261,673, C>T. VCF-style: chr3-122261673-C-T. GRCh37 (hg19) VCF-style: chr3-121980520-C-T.
Other names: c.638C>T, p.Ala213Val (NM_001178065.2); short protein forms A213V.
Identifiers: ClinVar variation 565394 (VCV000565394.33), dbSNP rs1559958979, ClinGen allele CA354151025.

ClinVar aggregate classification (germline): Conflicting classifications of pathogenicity. Review status: criteria provided, conflicting classifications (1 of 4 stars). 2 submissions from 2 submitters: Likely pathogenic (1); Uncertain significance (1). Last evaluated 2023-07-01.

Conditions:
Autosomal dominant hypocalcemia 1 (HYPOC1). Also called: HYPOCALCEMIA, FAMILIAL. Identifiers: MedGen C3715128, MONDO:0011013, OMIM 601198.
Familial hypocalciuric hypercalcemia (FHH). Also called: Familial benign hypercalcemia. Identifiers: Orphanet 405, MedGen C1809471, MONDO:0018458.

Submissions (2):

CeGaT Center for Human Genetics Tuebingen
Classification: Likely pathogenic. Last evaluated: 2023-07-01. Review status: criteria provided, single submitter. Criteria: CeGaT Center For Human Genetics Tuebingen Variant Classification Criteria Version 2. Collection method: clinical testing. Allele origin: germline. Affected: yes. Observed: 1 variant allele.
Comment: CASR: PM2, PM5, PP2, PP4

Labcorp Genetics (formerly Invitae), Labcorp
Classification: Uncertain significance for Familial hypocalciuric hypercalcemia; Autosomal dominant hypocalcemia 1. Last evaluated: 2018-04-17. Review status: criteria provided, single submitter. Criteria: Invitae Variant Classification Sherloc (09022015). Collection method: clinical testing. Allele origin: germline.
Comment: In summary, the available evidence is currently insufficient to determine the role of this variant in disease. Therefore, it has been classified as a Variant of Uncertain Significance. Algorithms developed to predict the effect of missense changes on protein structure and function (SIFT, PolyPhen-2, Align-GVGD) all suggest that this variant is likely to be disruptive, but these predictions have not been confirmed by published functional studies and their clinical significance is uncertain. This variant has not been reported in the literature in individuals with CASR-related disease. This variant is not present in population databases (ExAC no frequency). This sequence change replaces alanine with valine at codon 213 of the CASR protein (p.Ala213Val). The alanine residue is highly conserved and there is a small physicochemical difference between alanine and valine.